The following is an entry in ClinVar:

NM_001034850.3(RETREG1):c.463G>A (p.Glu155Lys)

Gene: RETREG1 (reticulophagy regulator 1; minus strand). Cytogenetic location: 5p15.1.
Variant type: single nucleotide variant.
Coding change: c.463G>A on transcript NM_001034850.3 (MANE Select); coding-DNA position 463, G replaced by A.
Protein change: p.Glu155Lys; replaces glutamic acid 155 with lysine.
Molecular consequence: missense variant.
Genome position (GRCh38, 1-based): chr5:16,483,468, C>T on the plus strand (G>A on the coding strand, the complement: RETREG1 is on the minus strand). VCF-style: chr5-16483468-C-T. GRCh37 (hg19) VCF-style: chr5-16483577-C-T.
Other names: c.40G>A, p.Glu14Lys (NM_019000.5); c.463G>A (NM_001034850.1); short protein forms E155K, E14K.
Identifiers: ClinVar variation 938361 (VCV000938361.8), dbSNP rs201026378, ClinGen allele CA359259808.

ClinVar aggregate classification (germline): Uncertain significance. Review status: criteria provided, multiple submitters, no conflicts (2 of 4 stars). 2 submissions from 2 submitters: Uncertain significance (2). Last evaluated 2025-04-03.

Conditions:
Inborn genetic diseases. Identifiers: MedGen C0950123, MeSH D030342.

Submissions (2):

Ambry Genetics
Classification: Uncertain significance for Inborn genetic diseases. Last evaluated: 2025-04-03. Review status: criteria provided, single submitter. Criteria: Ambry Variant Classification Scheme 2023. Collection method: clinical testing. Allele origin: germline.

Labcorp Genetics (formerly Invitae), Labcorp
Classification: Uncertain significance. Last evaluated: 2019-08-19. Review status: criteria provided, single submitter. Criteria: Invitae Variant Classification Sherloc (09022015). Collection method: clinical testing. Allele origin: germline.
Comment: In summary, the available evidence is currently insufficient to determine the role of this variant in disease. Therefore, it has been classified as a Variant of Uncertain Significance. Algorithms developed to predict the effect of missense changes on protein structure and function (SIFT, PolyPhen-2, Align-GVGD) all suggest that this variant is likely to be disruptive, but these predictions have not been confirmed by published functional studies and their clinical significance is uncertain. This variant has not been reported in the literature in individuals with RETREG1-related conditions. This variant is not present in population databases (ExAC no frequency). This sequence change replaces glutamic acid with lysine at codon 155 of the RETREG1 protein (p.Glu155Lys). The glutamic acid residue is highly conserved and there is a small physicochemical difference between glutamic acid and lysine.